The following is an entry in ClinVar:

NM_020937.4(FANCM):c.3083A>T (p.His1028Leu)

Gene: FANCM (FA complementation group M; plus strand). Cytogenetic location: 14q21.2.
Variant type: single nucleotide variant.
Coding change: c.3083A>T on transcript NM_020937.4 (MANE Select); coding-DNA position 3083, A replaced by T.
Protein change: p.His1028Leu; replaces histidine 1028 with leucine.
Molecular consequence: missense variant.
Genome position (GRCh38, 1-based): chr14:45,175,837, A>T. VCF-style: chr14-45175837-A-T. GRCh37 (hg19) VCF-style: chr14-45645040-A-T.
Other names: c.3083A>T (LRG_502t1, NM_020937.3); c.3005A>T, p.His1002Leu (NM_001308133.2); short protein forms H1002L, H1028L.
Identifiers: ClinVar variation 641581 (VCV000641581.10), dbSNP rs774142261, ClinGen allele CA7169462.

ClinVar aggregate classification (germline): Uncertain significance. Review status: criteria provided, multiple submitters, no conflicts (2 of 4 stars). 3 submissions from 3 submitters: Uncertain significance (3). Last evaluated 2024-09-03.

Conditions:
Spermatogenic failure 28. Identifiers: MedGen C4748117, MONDO:0054732, OMIM 618086.
Premature ovarian failure 15. Identifiers: MedGen C4748170, MONDO:0054862, OMIM 618096.
Fanconi anemia (FA). Also called: Fanconi's anemia. Identifiers: Orphanet 84, MedGen C0015625, MeSH D005199, MONDO:0019391.

Allele frequency attached by ClinVar (database versions not stated): gnomAD exomes below 0.00001; ExAC 0.00001; TOPMed 0.00003; gnomAD 0.00004 and 0.00005.
gnomAD v4.1: 7 of 1,613,892 alleles (0.00043%); highest among the groups gnomAD compares: African/African-American, 0.0093%; no homozygotes.

Submissions (3):

Labcorp Genetics (formerly Invitae), Labcorp
Classification: Uncertain significance for Fanconi anemia. Last evaluated: 2024-09-03. Review status: criteria provided, single submitter. Criteria: Invitae Variant Classification Sherloc (09022015). Collection method: clinical testing. Allele origin: germline.
Comment: This sequence change replaces histidine, which is basic and polar, with leucine, which is neutral and non-polar, at codon 1028 of the FANCM protein (p.His1028Leu). This variant is present in population databases (rs774142261, gnomAD 0.02%). This variant has not been reported in the literature in individuals affected with FANCM-related conditions. ClinVar contains an entry for this variant (Variation ID: 641581). An algorithm developed to predict the effect of missense changes on protein structure and function (PolyPhen-2) suggests that this variant is likely to be tolerated. In summary, the available evidence is currently insufficient to determine the role of this variant in disease. Therefore, it has been classified as a Variant of Uncertain Significance.

Quest Diagnostics Nichols Institute San Juan Capistrano
Classification: Uncertain significance. Last evaluated: 2024-05-07. Review status: criteria provided, single submitter. Criteria: Quest Diagnostics criteria. Collection method: clinical testing. Allele origin: unknown.
Comment: The FANCM c.3083A>T (p.His1028Leu) variant has not been reported in individuals with FANCM-related conditions in the published literature. The frequency of this variant in the general population, 0.00016 (4/24812 chromosomes (Genome Aggregation Database)), is uninformative in the assessment of its pathogenicity. Analysis of this variant using bioinformatics tool for the prediction of the effect of amino acid changes on protein structure and function yielded predictions that this variant is benign. Based on the available information, we are unable to determine the clinical significance of this variant.

Fulgent Genetics
Classification: Uncertain significance for Spermatogenic failure 28; Premature ovarian failure 15. Last evaluated: 2022-04-14. Review status: criteria provided, single submitter. Criteria: ACMG Guidelines, 2015. Collection method: clinical testing. Allele origin: unknown.